The following is an entry in ClinVar:

NM_000203.5(IDUA):c.158G>C (p.Cys53Ser)

Genes: IDUA (alpha-L-iduronidase; plus strand), SLC26A1 (solute carrier family 26 member 1; minus strand). Cytogenetic location: 4p16.3.
Variant type: single nucleotide variant.
Coding change: c.158G>C on transcript NM_000203.5 (MANE Select); coding-DNA position 158, G replaced by C.
Protein change: p.Cys53Ser; replaces cysteine 53 with serine.
Molecular consequence: missense variant. On other transcripts: non-coding transcript variant (1), intron variant (1).
Genome position (GRCh38, 1-based): chr4:987,242, G>C. VCF-style: chr4-987242-G-C. GRCh37 (hg19) VCF-style: chr4-981030-G-C.
Other names: c.576+3886C>G (NM_134425.4); short protein forms C53S.
Identifiers: ClinVar variation 2689242 (VCV002689242.3), dbSNP rs2534004148, ClinGen allele CA355945709.

ClinVar aggregate classification (germline): Uncertain significance. Review status: criteria provided, multiple submitters, no conflicts (2 of 4 stars). 2 submissions from 2 submitters: Uncertain significance (2). Last evaluated 2023-06-03.

Conditions:
Mucopolysaccharidosis type 1. Also called: IDUA deficiency; MPS I; Mucopolysaccharidosis Type I. Identifiers: Orphanet 579, MedGen C0023786, MONDO:0001586.

Submissions (2):

Labcorp Genetics (formerly Invitae), Labcorp
Classification: Uncertain significance for Mucopolysaccharidosis type 1. Last evaluated: 2023-06-03. Review status: criteria provided, single submitter. Criteria: Invitae Variant Classification Sherloc (09022015). Collection method: clinical testing. Allele origin: germline.
Comment: In summary, the available evidence is currently insufficient to determine the role of this variant in disease. Therefore, it has been classified as a Variant of Uncertain Significance. Variants that disrupt the consensus splice site are a relatively common cause of aberrant splicing (PMID: 17576681, 9536098). Algorithms developed to predict the effect of sequence changes on RNA splicing suggest that this variant may disrupt the consensus splice site. An algorithm developed to predict the effect of missense changes on protein structure and function (PolyPhen-2) suggests that this variant¬†is likely to be tolerated. This variant has not been reported in the literature in individuals affected with IDUA-related conditions. This variant is not present in population databases (gnomAD no frequency). This sequence change replaces cysteine, which is neutral and slightly polar, with serine, which is neutral and polar, at codon 53 of the IDUA protein (p.Cys53Ser). This variant also falls at the last nucleotide of exon 1, which is part of the consensus splice site for this exon.

Revvity Omics, Revvity
Classification: Uncertain significance. Last evaluated: 2023-03-22. Review status: criteria provided, single submitter. Criteria: ACMG Guidelines, 2015. Collection method: clinical testing. Allele origin: germline.

Literature cited by the submitters: PubMed 17576681 (cited by Labcorp Genetics (formerly Invitae), Labcorp); PubMed 9536098 (cited by Labcorp Genetics (formerly Invitae), Labcorp).